The following is an entry in ClinVar:

NM_003244.4(TGIF1):c.359C>T (p.Thr120Met)

Gene: TGIF1 (TGFB induced factor homeobox 1; plus strand). Cytogenetic location: 18p11.31.
Variant type: single nucleotide variant.
Coding change: c.359C>T on transcript NM_003244.4 (MANE Select); coding-DNA position 359, C replaced by T.
Protein change: p.Thr120Met; replaces threonine 120 with methionine.
Molecular consequence: missense variant.
Genome position (GRCh38, 1-based): chr18:3,457,480, C>T. VCF-style: chr18-3457480-C-T. GRCh37 (hg19) VCF-style: chr18-3457478-C-T.
Other names: c.368C>T, p.Thr123Met (NM_001278682.2); c.359C>T, p.Thr120Met (NM_001278684.2, NM_173208.3); c.299C>T, p.Thr100Met (NM_001278686.3, NM_001374396.1, NM_001374397.1 and 5 more transcripts); c.401C>T, p.Thr134Met (NM_173207.4); c.359C>T (NM_173208.1); short protein forms T120M, T134M, T100M, T123M.
Identifiers: ClinVar variation 2174583 (VCV002174583.5), dbSNP rs757123252, ClinGen allele CA8875938.
Genomic context (GRCh38, chr18:3,457,480, plus strand): 5'-AGGATGGCAAAGATCCAAATCAGTTCACAATTTCCCGCCGTGGGGCCAAGATTTCTGAAA[C>T]GAGCTCTGTGGAGTCCGTGATGGGCATCAAAAACTTCATGCCAGCTCTAGAGGAGACCCC-3'
Protein context (NP_003235.1, residues 110-130): ISRRGAKISE[Thr120Met]SSVESVMGIK

ClinVar aggregate classification (germline): Uncertain significance. Review status: criteria provided, multiple submitters, no conflicts (2 of 4 stars). 2 submissions from 2 submitters: Uncertain significance (2). Last evaluated 2025-11-20.

Conditions:
Inborn genetic diseases. Identifiers: MedGen C0950123, MeSH D030342.
Holoprosencephaly 4 (HPE4). Identifiers: Orphanet 2162, MedGen C1840528, MONDO:0007734, OMIM 142946.

Allele frequency attached by ClinVar (database versions not stated): TOPMed 0.00001; ExAC 0.00002; gnomAD exomes 0.00002; gnomAD 0.00004.
gnomAD v4.1: 42 of 1,614,052 alleles (0.0026%); highest among the groups gnomAD compares: East Asian, 0.04%; no homozygotes.

Submissions (2):

Ambry Genetics
Classification: Uncertain significance for Inborn genetic diseases. Last evaluated: 2025-11-20. Review status: criteria provided, single submitter. Criteria: Ambry Variant Classification Scheme 2023. Collection method: clinical testing. Allele origin: germline.

Labcorp Genetics (formerly Invitae), Labcorp
Classification: Uncertain significance for Holoprosencephaly 4. Last evaluated: 2025-03-05. Review status: criteria provided, single submitter. Criteria: Invitae Variant Classification Sherloc (09022015). Collection method: clinical testing. Allele origin: germline.
Comment: This sequence change replaces threonine, which is neutral and polar, with methionine, which is neutral and non-polar, at codon 120 of the TGIF1 protein (p.Thr120Met). This variant is present in population databases (rs757123252, gnomAD 0.04%). This variant has not been reported in the literature in individuals affected with TGIF1-related conditions. ClinVar contains an entry for this variant (Variation ID: 2174583). Invitae Evidence Modeling of protein sequence and biophysical properties (such as structural, functional, and spatial information, amino acid conservation, physicochemical variation, residue mobility, and thermodynamic stability) indicates that this missense variant is not expected to disrupt TGIF1 protein function with a negative predictive value of 80%. In summary, the available evidence is currently insufficient to determine the role of this variant in disease. Therefore, it has been classified as a Variant of Uncertain Significance.